The following is an entry in ClinVar:

NM_021831.6(AGBL5):c.2437dup (p.Arg813fs)

Gene: AGBL5 (AGBL carboxypeptidase 5; plus strand). Cytogenetic location: 2p23.3.
Variant type: Duplication.
Coding change: c.2437dup on transcript NM_021831.6 (MANE Select); coding-DNA position 2437, one base duplicated (C; older notation c.2437dupC).
Protein change: p.Arg813fs; shifts the reading frame from arginine 813.
Molecular consequence: frameshift variant. On other transcripts: non-coding transcript variant (2).
Genome position (GRCh38, 1-based): chr2:27,069,654, C duplicated; the last of 6 consecutive C bases (chr2:27,069,649-27,069,654); duplicating any one gives the same sequence. VCF-style (leftmost placement, unchanged base first): chr2-27069648-A-AC. GRCh37 (hg19) VCF-style: chr2-27292516-A-AC.
Other names: short protein forms R813fs.
Identifiers: ClinVar variation 1060377 (VCV001060377.9), dbSNP rs759542168, ClinGen allele CA2499215844.

ClinVar aggregate classification (germline): Uncertain significance (1 of 4 stars; one submission).

Submission:

Labcorp Genetics (formerly Invitae), Labcorp
Classification: Uncertain significance. Last evaluated: 2022-10-24. Review status: criteria provided, single submitter. Criteria: Invitae Variant Classification Sherloc (09022015). Collection method: clinical testing. Allele origin: germline.
Comment: This variant has not been reported in the literature in individuals affected with AGBL5-related conditions. In summary, the available evidence is currently insufficient to determine the role of this variant in disease. Therefore, it has been classified as a Variant of Uncertain Significance. ClinVar contains an entry for this variant (Variation ID: 1060377). This variant is not present in population databases (gnomAD no frequency). This sequence change creates a premature translational stop signal (p.Arg813Profs*7) in the AGBL5 gene. While this is not anticipated to result in nonsense mediated decay, it is expected to disrupt the last 74 amino acid(s) of the AGBL5 protein.